The following is an entry in ClinVar:

NM_052947.4(ALPK2):c.1025C>A (p.Ala342Glu)

Genes: ALPK2 (alpha kinase 2; minus strand), LOC114803473 (ALPK2 eExon liver enhancer; plus strand). Cytogenetic location: 18q21.31.
Variant type: single nucleotide variant.
Coding change: c.1025C>A on transcript NM_052947.4 (MANE Select); coding-DNA position 1025, C replaced by A.
Protein change: p.Ala342Glu; replaces alanine 342 with glutamic acid.
Molecular consequence: missense variant.
Genome position (GRCh38, 1-based): chr18:58,579,751, G>T on the plus strand (C>A on the coding strand, the complement: ALPK2 is on the minus strand). VCF-style: chr18-58579751-G-T. GRCh37 (hg19) VCF-style: chr18-56246983-G-T.
Other names: short protein forms A342E.
Identifiers: ClinVar variation 1769286 (VCV001769286.3), dbSNP rs1568091888, ClinGen allele CA402565053.

ClinVar aggregate classification (germline): Uncertain significance (1 of 4 stars; one submission).

Allele frequency attached by ClinVar (database versions not stated): gnomAD exomes below 0.00001.
gnomAD v4.1: 1 of 1,614,144 alleles (0.000062%); highest among the groups gnomAD compares: Non-Finnish European, 0.000085%; no homozygotes.

Submission:

Ambry Genetics
Classification: Uncertain significance. Last evaluated: 2024-09-22. Review status: criteria provided, single submitter. Criteria: Ambry Variant Classification Scheme 2023. Collection method: clinical testing. Allele origin: germline.
Comment: The p.A342E variant (also known as c.1025C>A), located in coding exon 3 of the ALPK2 gene, results from a C to A substitution at nucleotide position 1025. The alanine at codon 342 is replaced by glutamic acid, an amino acid with dissimilar properties. This amino acid position is conserved. In addition, this alteration is predicted to be tolerated by in silico analysis. Since supporting evidence is limited at this time, the clinical significance of this alteration remains unclear.